The following is an entry in ClinVar:

NM_001165963.4(SCN1A):c.3721T>G (p.Tyr1241Asp)

Genes: SCN1A (sodium voltage-gated channel alpha subunit 1; minus strand), LOC102724058 (uncharacterized LOC102724058; plus strand). Cytogenetic location: 2q24.3.
Variant type: single nucleotide variant.
Coding change: c.3721T>G on transcript NM_001165963.4 (MANE Select); coding-DNA position 3721, T replaced by G.
Protein change: p.Tyr1241Asp; replaces tyrosine 1241 with aspartic acid.
Molecular consequence: missense variant. On other transcripts: non-coding transcript variant (1).
Genome position (GRCh38, 1-based): chr2:166,012,267, A>C on the plus strand (T>G on the coding strand, the complement: SCN1A is on the minus strand). VCF-style: chr2-166012267-A-C. GRCh37 (hg19) VCF-style: chr2-166868777-A-C.
Other names: c.3721T>G, p.Tyr1241Asp (NM_001202435.3, NM_001353948.2); c.3688T>G, p.Tyr1230Asp (NM_001353949.2, NM_001353950.2, NM_001353951.2 and 2 more transcripts); c.3685T>G, p.Tyr1229Asp (NM_001353954.2, NM_001353955.2); c.3637T>G, p.Tyr1213Asp (NM_001353957.2, NM_001353958.2, NM_001165964.3); c.3634T>G, p.Tyr1212Asp (NM_001353960.2); c.1279T>G, p.Tyr427Asp (NM_001353961.2); short protein forms Y1212D, Y1213D, Y1241D, Y427D, Y1229D, Y1230D.
Identifiers: ClinVar variation 2759459 (VCV002759459.3), dbSNP rs922514173, ClinGen allele CA349054639.

ClinVar aggregate classification (germline): Likely pathogenic (1 of 4 stars; one submission).

Conditions:
Early-infantile DEE. Also called: Ohtahara syndrome; Early infantile epileptic encephalopathy; Early infantile epileptic encephalopathy with suppression bursts. Identifiers: Orphanet 1934, MedGen C0393706, MONDO:0800491.

Submission:

Labcorp Genetics (formerly Invitae), Labcorp
Classification: Likely pathogenic for Early-infantile DEE. Last evaluated: 2025-08-02. Review status: criteria provided, single submitter. Criteria: Invitae Variant Classification Sherloc (09022015). Collection method: clinical testing. Allele origin: germline.
Comment: This sequence change replaces tyrosine, which is neutral and polar, with aspartic acid, which is acidic and polar, at codon 1241 of the SCN1A protein (p.Tyr1241Asp). This variant is not present in population databases (gnomAD no frequency). This variant has not been reported in the literature in individuals affected with SCN1A-related conditions. ClinVar contains an entry for this variant (Variation ID: 2759459). Invitae Evidence Modeling of protein sequence and biophysical properties (such as structural, functional, and spatial information, amino acid conservation, physicochemical variation, residue mobility, and thermodynamic stability) indicates that this missense variant is expected to disrupt SCN1A protein function with a positive predictive value of 95%. This variant disrupts the p.Tyr1241 amino acid residue in SCN1A. Other variant(s) that disrupt this residue have been determined to be pathogenic (PMID: 28012175). This suggests that this residue is clinically significant, and that variants that disrupt this residue are likely to be disease-causing. In summary, the currently available evidence indicates that the variant is pathogenic, but additional data are needed to prove that conclusively. Therefore, this variant has been classified as Likely Pathogenic.

Literature cited by the submitters: PubMed 28012175.